The following is an entry in ClinVar:

ClinVar aggregate classification (germline): Uncertain significance (1 of 4 stars; one submission).

Conditions:
ASIP-related condition.

gnomAD v4.1: 21 of 1,613,984 alleles (0.0013%); highest among the groups gnomAD compares: African/African-American, 0.0027%; no homozygotes.

Submission:

PreventionGenetics, part of Exact Sciences
Classification: Uncertain significance for ASIP-related condition. Last evaluated: 2026-08-06. Review status: criteria provided, single submitter. Criteria: ACMG Guidelines, 2015. Collection method: clinical testing. Allele origin: germline.
Comment: The ASIP c.92G>A variant is predicted to result in the amino acid substitution p.Arg31Gln. To our knowledge, this variant has not been reported in the literature. This variant is reported in 0.0062% of alleles in individuals of African descent in gnomAD. At this time, the clinical significance of this variant is uncertain due to the absence of conclusive functional and genetic evidence.

NM_001672.3(ASIP):c.92G>A (p.Arg31Gln)

Genes: AHCY (adenosylhomocysteinase; minus strand), ASIP (agouti signaling protein; plus strand). Cytogenetic location: 20q11.22.
Variant type: single nucleotide variant.
Coding change: c.92G>A on transcript NM_001672.3 (MANE Select); coding-DNA position 92, G replaced by A.
Protein change: p.Arg31Gln; replaces arginine 31 with glutamine.
Molecular consequence: missense variant.
Genome position (GRCh38, 1-based): chr20:34,260,466, G>A. VCF-style: chr20-34260466-G-A. GRCh37 (hg19) VCF-style: chr20-32848272-G-A.
Other names: c.92G>A, p.Arg31Gln (NM_001385218.1); short protein forms R31Q.
Identifiers: ClinVar variation 4988624 (VCV004988624.1).